The following is an entry in ClinVar:

NM_001040142.2(SCN2A):c.3628T>C (p.Phe1210Leu)

Gene: SCN2A (sodium voltage-gated channel alpha subunit 2; plus strand). Cytogenetic location: 2q24.3.
Variant type: single nucleotide variant.
Coding change: c.3628T>C on transcript NM_001040142.2 (MANE Select); coding-DNA position 3628, T replaced by C.
Protein change: p.Phe1210Leu; replaces phenylalanine 1210 with leucine.
Molecular consequence: missense variant.
Genome position (GRCh38, 1-based): chr2:165,367,324, T>C. VCF-style: chr2-165367324-T-C. GRCh37 (hg19) VCF-style: chr2-166223834-T-C.
Other names: c.3628T>C, p.Phe1210Leu (NM_001040143.2, NM_001371246.1, NM_001371247.1 and 1 more transcripts); short protein forms F1210L.
Identifiers: ClinVar variation 3344120 (VCV003344120.1).
Genomic context (GRCh38, chr2:165,367,324, plus strand): 5'-AAAGGGAAACTCTGGTGGAATTTGAGGAAAACATGCTATAAGATAGTGGAGCACAATTGG[T>C]TCGAAACCTTCATTGTCTTCATGATTCTGCTGAGCAGTGGGGCTCTGGTAGGTGATGCAT-3'
Protein context (NP_001035232.1, residues 1200-1220): TCYKIVEHNW[Phe1210Leu]ETFIVFMILL

ClinVar aggregate classification (germline): Uncertain significance (0 of 4 stars; one submission).

Conditions:
SCN2A-related disorder. Also called: SCN2A-related condition; SCN2A-related disorders. Identifiers: MedGen CN382226, MONDO:1060245.

Submission:

PreventionGenetics, part of Exact Sciences
Classification: Uncertain significance for SCN2A-related condition. Last evaluated: 2024-05-28. Review status: no assertion criteria provided. Collection method: clinical testing. Allele origin: germline.
Comment: The SCN2A c.3628T>C variant is predicted to result in the amino acid substitution p.Phe1210Leu. To our knowledge, this variant has not been reported in the literature or in a large population database, indicating this variant is rare. At this time, the clinical significance of this variant is uncertain due to the absence of conclusive functional and genetic evidence.